The following is an entry in ClinVar:

ClinVar aggregate classification (germline): Likely pathogenic (0 of 4 stars; one submission).

Conditions:
Relapsing remitting multiple sclerosis. Identifiers: MedGen C0751967, MONDO:0005314.

Submission:

Demyelinating Disease Laboratories, VA Medical Center and University of Tennessee
Classification: Likely pathogenic. Review status: no assertion criteria provided. Collection method: not provided. Allele origin: somatic.
ClinVar note: Converted during submission from probable-pathogenic to Likely pathogenic.

NM_031157.4(HNRNPA1):c.995A>G (p.Asn332Ser)

Gene: HNRNPA1 (heterogeneous nuclear ribonucleoprotein A1; plus strand). Cytogenetic location: 12q13.13.
Variant type: single nucleotide variant.
Coding change: c.995A>G on transcript NM_031157.4 (MANE Select); coding-DNA position 995, A replaced by G.
Protein change: p.Asn332Ser; replaces asparagine 332 with serine.
Molecular consequence: missense variant. On other transcripts: non-coding transcript variant (1).
Genome position (GRCh38, 1-based): chr12:54,283,899, A>G. VCF-style: chr12-54283899-A-G. GRCh37 (hg19) VCF-style: chr12-54677683-A-G.
Other names: c.839A>G, p.Asn280Ser (NM_002136.4); short protein forms N332S, N280S.
Identifiers: ClinVar variation 135599 (VCV000135599.2), dbSNP rs3207617, ClinGen allele CA163056.
Genomic context (GRCh38, chr12:54,283,899, plus strand): 5'-ACAATGATTTTGGGAATTACAACAATCAGTCTTCAAATTTTGGACCCATGAAGGGAGGAA[A>G]TTTTGGAGGCAGAAGCTCTGGCCCCTATGGCGGTGGAGGCCAATACTTTGCAAAACCACG-3'
Protein context (NP_112420.1, residues 322-342): SSNFGPMKGG[Asn332Ser]FGGRSSGPYG